The following is an entry in ClinVar:

ClinVar aggregate classification (germline): Likely benign. Review status: criteria provided, multiple submitters, no conflicts (2 of 4 stars). 4 submissions from 3 submitters: Likely benign (4). Last evaluated 2023-11-04.

Conditions:
Retinitis pigmentosa 39 (RP39). Identifiers: Orphanet 791, MedGen C3151138, MONDO:0013436, OMIM 613809.
Usher syndrome type 2A. Also called: RETINAL DISEASE IN USHER SYNDROME TYPE IIA, MODIFIER OF; USHER SYNDROME, TYPE IIA. Identifiers: Orphanet 231178, Orphanet 886, MedGen C1848634, MONDO:0010169, OMIM 276901.

Allele frequency attached by ClinVar (database versions not stated): TOPMed 0.00001; gnomAD 0.00003.
gnomAD v4.1: 3 of 1,613,060 alleles (0.00019%); highest among the groups gnomAD compares: African/African-American, 0.004%; no homozygotes.

Submissions (4):

Genome-Nilou Lab
Classification: Likely benign for Retinitis pigmentosa 39. Last evaluated: 2023-11-04. Review status: criteria provided, single submitter. Criteria: ACMG Guidelines, 2015. Collection method: clinical testing. Allele origin: germline. Affected: no.

Genome-Nilou Lab
Classification: Likely benign for Usher syndrome type 2A. Last evaluated: 2023-11-04. Review status: criteria provided, single submitter. Criteria: ACMG Guidelines, 2015. Collection method: clinical testing. Allele origin: germline. Affected: no.

Labcorp Genetics (formerly Invitae), Labcorp
Classification: Likely benign. Last evaluated: 2020-11-21. Review status: criteria provided, single submitter. Criteria: Invitae Variant Classification Sherloc (09022015). Collection method: clinical testing. Allele origin: germline.

Laboratory for Molecular Medicine, Mass General Brigham Personalized Medicine
Classification: Likely benign. Last evaluated: 2013-08-06. Review status: criteria provided, single submitter. Criteria: LMM Criteria. Collection method: clinical testing. Allele origin: germline. Observed: 2 variant alleles.
Comment: Lys209Lys variant in Exon 3 of USH2A: This variant is not expected to have clini cal significance because it does not alter an amino acid residue and is not loca ted near a splice junction.

NM_206933.4(USH2A):c.627G>A (p.Lys209=)

Gene: USH2A (usherin; minus strand). Cytogenetic location: 1q41.
Variant type: single nucleotide variant.
Coding change: c.627G>A on transcript NM_206933.4 (MANE Select); coding-DNA position 627, G replaced by A.
Protein change: p.Lys209=; no amino-acid change (lysine 209 retained).
Molecular consequence: synonymous variant.
Genome position (GRCh38, 1-based): chr1:216,418,538, C>T on the plus strand (G>A on the coding strand, the complement: USH2A is on the minus strand). VCF-style: chr1-216418538-C-T. GRCh37 (hg19) VCF-style: chr1-216591880-C-T.
Other names: c.627G>A, p.Lys209= (NM_007123.6).
Identifiers: ClinVar variation 48557 (VCV000048557.13), dbSNP rs146402815, ClinGen allele CA143552.